The following is an entry in ClinVar:

NM_001370100.5(ZMYND11):c.881G>T (p.Trp294Leu)

Gene: ZMYND11 (zinc finger MYND-type containing 11; plus strand). Cytogenetic location: 10p15.3.
Variant type: single nucleotide variant.
Coding change: c.881G>T on transcript NM_001370100.5 (MANE Select); coding-DNA position 881, G replaced by T.
Protein change: p.Trp294Leu; replaces tryptophan 294 with leucine.
Molecular consequence: missense variant. On other transcripts: non-coding transcript variant (1).
Genome position (GRCh38, 1-based): chr10:242,070, G>T. VCF-style: chr10-242070-G-T. GRCh37 (hg19) VCF-style: chr10-288010-G-T.
Other names: c.719G>T, p.Trp240Leu (NM_001202464.3, NM_001202467.1, NM_001370103.2 and 6 more transcripts); c.626G>T, p.Trp209Leu (NM_001202465.3, NM_001370110.2); c.716G>T, p.Trp239Leu (NM_001202466.3, NM_001370111.2); c.881G>T, p.Trp294Leu (NM_001202468.1, NM_001370097.3, NM_001370098.2 and 5 more transcripts); c.830G>T, p.Trp277Leu (NM_001330057.3, NM_001370112.2); c.788G>T, p.Trp263Leu (NM_001370113.2, NM_001370114.2); c.878G>T, p.Trp293Leu (NM_001370115.2, NM_212479.4); c.815G>T, p.Trp272Leu (NM_001370116.2); and 7 more; short protein forms W137L, W175L, W192L, W200L, W209L, W218L, W239L, W240L.
Identifiers: ClinVar variation 4070877 (VCV004070877.1).

ClinVar aggregate classification (germline): Uncertain significance (1 of 4 stars; one submission).

Submission:

GeneDx
Classification: Uncertain significance. Last evaluated: 2025-01-17. Review status: criteria provided, single submitter. Criteria: GeneDx Variant Classification Process June 2021. Collection method: clinical testing. Allele origin: germline. Affected: yes.
Comment: Not observed at significant frequency in large population cohorts (gnomAD); In silico analysis supports that this missense variant has a deleterious effect on protein structure/function; Has not been previously published as pathogenic or benign to our knowledge